The following is an entry in ClinVar:

ClinVar aggregate classification (germline): Uncertain significance. Review status: criteria provided, multiple submitters, no conflicts (2 of 4 stars). 4 submissions from 4 submitters: Uncertain significance (4). Last evaluated 2025-10-02.

Conditions:
Myopathy, proximal, and ophthalmoplegia (CMYO6). Also called: INCLUSION BODY MYOPATHY 3, AUTOSOMAL DOMINANT; MYOPATHY WITH CONGENITAL JOINT CONTRACTURES, OPHTHALMOPLEGIA, AND RIMMED VACUOLES; CONGENITAL MYOPATHY 6 WITH OPHTHALMOPLEGIA. Identifiers: Orphanet 363677, Orphanet 79091, MedGen C1854106, MONDO:0011577, OMIM 605637.

Allele frequency attached by ClinVar (database versions not stated): TOPMed 0.00003; gnomAD 0.00005 and 0.00006; gnomAD exomes 0.00005 and 0.00009; ExAC 0.00007; ESP Exome Variant Server 0.00008.
gnomAD v4.1: 137 of 1,614,108 alleles (0.0085%); highest among the groups gnomAD compares: Non-Finnish European, 0.011%; no homozygotes.

Submissions (4):

Labcorp Genetics (formerly Invitae), Labcorp
Classification: Uncertain significance for Myopathy, proximal, and ophthalmoplegia. Last evaluated: 2025-10-02. Review status: criteria provided, single submitter. Criteria: Invitae Variant Classification Sherloc (09022015). Collection method: clinical testing. Allele origin: germline.
Comment: This sequence change replaces glutamic acid, which is acidic and polar, with lysine, which is basic and polar, at codon 1681 of the MYH2 protein (p.Glu1681Lys). This variant is present in population databases (rs144934663, gnomAD 0.009%). This missense change has been observed in individual(s) with inclusion body myositis (PMID: 25617006). ClinVar contains an entry for this variant (Variation ID: 1061072). Invitae Evidence Modeling of protein sequence and biophysical properties (such as structural, functional, and spatial information, amino acid conservation, physicochemical variation, residue mobility, and thermodynamic stability) indicates that this missense variant is expected to disrupt MYH2 protein function with a positive predictive value of 80%. In summary, the available evidence is currently insufficient to determine the role of this variant in disease. Therefore, it has been classified as a Variant of Uncertain Significance.

Revvity Omics, Revvity
Classification: Uncertain significance for Myopathy, proximal, and ophthalmoplegia. Last evaluated: 2025-03-28. Review status: criteria provided, single submitter. Criteria: ACMG Guidelines, 2015. Collection method: clinical testing. Allele origin: germline.

GeneDx
Classification: Uncertain significance. Last evaluated: 2024-01-10. Review status: criteria provided, single submitter. Criteria: GeneDx Variant Classification Process June 2021. Collection method: clinical testing. Allele origin: germline. Affected: yes.
Comment: Reported in a patient with sporadic inclusion body myositis; however, familial segregation information and further clinical information was not provided (PMID: 25617006); In silico analysis supports that this missense variant has a deleterious effect on protein structure/function; This variant is associated with the following publications: (PMID: 25617006)

Women's Health and Genetics/Laboratory Corporation of America, LabCorp
Classification: Uncertain significance. Last evaluated: 2022-11-22. Review status: criteria provided, single submitter. Criteria: LabCorp Variant Classification Summary - May 2015. Collection method: clinical testing. Allele origin: germline.
Comment: Variant summary: MYH2 c.5041G>A (p.Glu1681Lys) results in a conservative amino acid change located in the myosin head, motor domain (IPR001609) of the encoded protein sequence. Four of five in-silico tools predict a damaging effect of the variant on protein function. The variant allele was found at a frequency of 5.2e-05 in 251316 control chromosomes (gnomAD). c.5041G>A has been reported in the literature in the heterozygous state in at least one individual affected with inclusion body myositis (e.g. Weihl_2015). This report does not provide unequivocal conclusions about association of the variant with Myopathy, Proximal, And Ophthalmoplegia. To our knowledge, no experimental evidence demonstrating an impact on protein function has been reported. One clinical diagnostic laboratory has submitted a clinical-significance assessment for this variant to ClinVar after 2014 and classified the variant as uncertain significance. Based on the evidence outlined above, the variant was classified as uncertain significance.

Literature cited by the submitters: PubMed 25617006 (cited by Labcorp Genetics (formerly Invitae), Labcorp and Women's Health and Genetics/Laboratory Corporation of America, LabCorp).

NM_017534.6(MYH2):c.5041G>A (p.Glu1681Lys)

Genes: MYHAS (myosin heavy chain gene cluster antisense RNA; plus strand), MYH2 (myosin heavy chain 2; minus strand), LOC126862500 (BRD4-independent group 4 enhancer GRCh37_chr17:10427829-10429028; plus strand). Cytogenetic location: 17p13.1.
Variant type: single nucleotide variant.
Coding change: c.5041G>A on transcript NM_017534.6 (MANE Select); coding-DNA position 5041, G replaced by A.
Protein change: p.Glu1681Lys; replaces glutamic acid 1681 with lysine.
Molecular consequence: missense variant.
Genome position (GRCh38, 1-based): chr17:10,524,600, C>T on the plus strand (G>A on the coding strand, the complement: MYH2 is on the minus strand). VCF-style: chr17-10524600-C-T. GRCh37 (hg19) VCF-style: chr17-10427917-C-T.
Other names: c.5041G>A, p.Glu1681Lys (NM_001100112.2); short protein forms E1681K.
Identifiers: ClinVar variation 1061072 (VCV001061072.8), dbSNP rs144934663, ClinGen allele CA8390504.